The following is an entry in ClinVar:

NM_006648.4(WNK2):c.1958G>C (p.Ser653Thr)

Gene: WNK2 (WNK lysine deficient protein kinase 2; plus strand). Cytogenetic location: 9q22.31.
Variant type: single nucleotide variant.
Coding change: c.1958G>C on transcript NM_006648.4 (MANE Select); coding-DNA position 1958, G replaced by C.
Protein change: p.Ser653Thr; replaces serine 653 with threonine.
Molecular consequence: missense variant.
Genome position (GRCh38, 1-based): chr9:93,253,006, G>C. VCF-style: chr9-93253006-G-C. GRCh37 (hg19) VCF-style: chr9-96015288-G-C.
Other names: c.1958G>C, p.Ser653Thr (NM_001282394.3); short protein forms S653T.
Identifiers: ClinVar variation 3816968 (VCV003816968.1).
Genomic context (GRCh38, chr9:93,253,006, plus strand): 5'-AGAGCGTGATGCTTGGCTCCCTTGCCGACGCAGCGCCGTCCCCGGCCCAGTGTGTGTGCA[G>C]CCCCCCTGTGAGCGAGGGGCCCGTCCTGCCGCAGAGCCTGCCCTCGCTGGGGGCCTACCA-3'
Protein context (NP_006639.3, residues 643-663): AAPSPAQCVC[Ser653Thr]PPVSEGPVLP

ClinVar aggregate classification (germline): Uncertain significance (1 of 4 stars; one submission).

gnomAD v4.1: 3 of 1,558,526 alleles (0.00019%); highest among the groups gnomAD compares: East Asian, 0.0025%; no homozygotes.

Submission:

Ambry Genetics
Classification: Uncertain significance. Last evaluated: 2025-02-02. Review status: criteria provided, single submitter. Criteria: Ambry Variant Classification Scheme 2023. Collection method: clinical testing. Allele origin: germline.
Comment: The p.S653T variant (also known as c.1958G>C), located in coding exon 8 of the WNK2 gene, results from a G to C substitution at nucleotide position 1958. The serine at codon 653 is replaced by threonine, an amino acid with similar properties. This amino acid position is conserved. In addition, this alteration is predicted to be tolerated by in silico analysis. Based on the available evidence, the clinical significance of this variant remains unclear.